The following is an entry in ClinVar:

NM_001378452.1(ITPR1):c.5834A>G (p.Asp1945Gly)

Gene: ITPR1 (inositol 1,4,5-trisphosphate receptor type 1; plus strand). Cytogenetic location: 3p26.1.
Variant type: single nucleotide variant.
Coding change: c.5834A>G on transcript NM_001378452.1 (MANE Select); coding-DNA position 5834, A replaced by G.
Protein change: p.Asp1945Gly; replaces aspartic acid 1945 with glycine.
Molecular consequence: missense variant.
Genome position (GRCh38, 1-based): chr3:4,768,619, A>G. VCF-style: chr3-4768619-A-G. GRCh37 (hg19) VCF-style: chr3-4810303-A-G.
Other names: c.5690A>G, p.Asp1897Gly (NM_001099952.4); c.5789A>G, p.Asp1930Gly (NM_001168272.2); c.5645A>G, p.Asp1882Gly (NM_002222.7); short protein forms D1882G, D1897G, D1930G, D1945G.
Identifiers: ClinVar variation 2230725 (VCV002230725.3), dbSNP rs2045972218, ClinGen allele CA351635002.
Genomic context (GRCh38, chr3:4,768,619, plus strand): 5'-TGGAGGCCTCCGCTGCCACCAGGAAAGCCTTCACCACTTTCAGGAGGGAGGCTGATCCCG[A>G]CGACCACTACCAGCCTGGAGAGGGCACCCAGGCCACTGCCGACAAGGCCAAGGACGACCT-3'
Protein context (NP_001365381.1, residues 1935-1955): FTTFRREADP[Asp1945Gly]DHYQPGEGTQ

ClinVar aggregate classification (germline): Uncertain significance. Review status: criteria provided, multiple submitters, no conflicts (2 of 4 stars). 2 submissions from 2 submitters: Uncertain significance (2). Last evaluated 2025-01-09.

Conditions:
Inborn genetic diseases. Identifiers: MedGen C0950123, MeSH D030342.

Allele frequency attached by ClinVar (database versions not stated): gnomAD exomes below 0.00001; TOPMed below 0.00001.
gnomAD v4.1: 1 of 1,613,960 alleles (0.000062%); highest among the groups gnomAD compares: Non-Finnish European, 0.000085%; no homozygotes.

Submissions (2):

GeneDx
Classification: Uncertain significance. Last evaluated: 2025-01-09. Review status: criteria provided, single submitter. Criteria: GeneDx Variant Classification Process June 2021. Collection method: clinical testing. Allele origin: germline. Affected: yes.
Comment: Not observed at significant frequency in large population cohorts (gnomAD); In silico analysis supports that this missense variant has a deleterious effect on protein structure/function; Has not been previously published as pathogenic or benign to our knowledge

Ambry Genetics
Classification: Uncertain significance for Inborn genetic diseases. Last evaluated: 2021-06-11. Review status: criteria provided, single submitter. Criteria: Ambry Variant Classification Scheme 2023. Collection method: clinical testing. Allele origin: germline.